The following is an entry in ClinVar:

ClinVar aggregate classification (germline): Uncertain significance (1 of 4 stars; one submission).

Conditions:
Amyotrophic lateral sclerosis type 21. Also called: VOCAL CORD AND PHARYNGEAL DYSFUNCTION WITH DISTAL MYOPATHY; MYOPATHY, DISTAL, 2. Identifiers: Orphanet 600, Orphanet 803, MedGen C3807521, MONDO:0011632, OMIM 606070.

Allele frequency attached by ClinVar (database versions not stated): gnomAD 0.00001; TOPMed 0.00001; gnomAD exomes below 0.00001.

Submission:

Labcorp Genetics (formerly Invitae), Labcorp
Classification: Uncertain significance for Amyotrophic lateral sclerosis type 21. Last evaluated: 2022-01-15. Review status: criteria provided, single submitter. Criteria: Invitae Variant Classification Sherloc (09022015). Collection method: clinical testing. Allele origin: germline.
Comment: In summary, the available evidence is currently insufficient to determine the role of this variant in disease. Therefore, it has been classified as a Variant of Uncertain Significance. Algorithms developed to predict the effect of missense changes on protein structure and function are either unavailable or do not agree on the potential impact of this missense change (SIFT: "Deleterious"; PolyPhen-2: "Possibly Damaging"; Align-GVGD: "Class C0"). ClinVar contains an entry for this variant (Variation ID: 657091). This variant has not been reported in the literature in individuals affected with MATR3-related conditions. This variant is not present in population databases (gnomAD no frequency). This sequence change replaces arginine, which is basic and polar, with cysteine, which is neutral and slightly polar, at codon 102 of the MATR3 protein (p.Arg102Cys).

NM_018834.6(MATR3):c.304C>T (p.Arg102Cys)

Gene: MATR3 (matrin 3; plus strand). Cytogenetic location: 5q31.2.
Variant type: single nucleotide variant.
Coding change: c.304C>T on transcript NM_018834.6 (MANE Select); coding-DNA position 304, C replaced by T.
Protein change: p.Arg102Cys; replaces arginine 102 with cysteine.
Molecular consequence: missense variant. On other transcripts: intron variant (2).
Genome position (GRCh38, 1-based): chr5:139,307,719, C>T. VCF-style: chr5-139307719-C-T. GRCh37 (hg19) VCF-style: chr5-138643408-C-T.
Other names: c.304C>T, p.Arg102Cys (NM_001194954.2, NM_001194955.2, NM_199189.3); c.-102-6956C>T (NM_001282278.2); c.49-6956C>T (NM_001194956.2); short protein forms R102C.
Identifiers: ClinVar variation 657091 (VCV000657091.9), dbSNP rs1327023414, ClinGen allele CA361486964.